The following is an entry in ClinVar:

Conditions:
Long QT syndrome 5 (LQT5). Identifiers: Orphanet 101016, Orphanet 768, MedGen C1867904, MONDO:0013372, OMIM 613695.

Submission:

Roden Lab, Vanderbilt University Medical Center
No classification provided (evidence only). Condition: Long QT syndrome 5. Review status: no classification provided. Collection method: in vitro. Allele origin: not applicable. Functional consequence: Effect on ion channel function.
ClinVar note: "not provided" was previously submitted as the classification for the variant. However, the classification appeared to be based only on an observation of functional data so it was converted to no classification on 2025-07-30.

NM_000219.6(KCNE1):c.119G>A (p.Gly40Asp)

Gene: KCNE1 (potassium voltage-gated channel subfamily E regulatory subunit 1; minus strand). Cytogenetic location: 21q22.12.
Variant type: single nucleotide variant.
Coding change: c.119G>A on transcript NM_000219.6 (MANE Select); coding-DNA position 119, G replaced by A.
Protein change: p.Gly40Asp; replaces glycine 40 with aspartic acid.
Molecular consequence: missense variant.
Genome position (GRCh38, 1-based): chr21:34,449,516, C>T on the plus strand (G>A on the coding strand, the complement: KCNE1 is on the minus strand). VCF-style: chr21-34449516-C-T. GRCh37 (hg19) VCF-style: chr21-35821814-C-T.
Other names: c.119G>A, p.Gly40Asp (NM_001127668.4, NM_001127669.4, NM_001127670.4 and 4 more transcripts); short protein forms G40D.
Identifiers: ClinVar variation 3374093 (VCV003374093.2).